The following is an entry in ClinVar:

NM_000179.3(MSH6):c.869dup (p.Asn291fs)

Gene: MSH6 (mutS homolog 6; plus strand). Cytogenetic location: 2p16.3.
Variant type: Duplication.
Coding change: c.869dup on transcript NM_000179.3 (MANE Select); coding-DNA position 869, one base duplicated (T; older notation c.869dupT).
Protein change: p.Asn291fs; shifts the reading frame from asparagine 291.
Molecular consequence: frameshift variant. On other transcripts: 5 prime UTR variant (2).
Genome position (GRCh38, 1-based): chr2:47,798,852, T duplicated. VCF-style (leftmost placement, unchanged base first): chr2-47798851-C-CT. GRCh37 (hg19) VCF-style: chr2-48025990-C-CT.
Other names: c.479dup, p.Asn161fs (NM_001281492.2); c.-38dup (NM_001281493.2, NM_001281494.2, NM_001406811.1 and 6 more transcripts); c.965dup, p.Asn323Glufs (NM_001406795.1, NM_001406802.1); c.869dup, p.Asn291Glufs (NM_001406796.1, NM_001406798.1, NM_001406800.1 and 4 more transcripts); c.572dup, p.Asn192Glufs (NM_001406797.1, NM_001406801.1, NM_001406805.1 and 10 more transcripts); c.344dup, p.Asn116Glufs (NM_001406799.1, NM_001406806.1, NM_001406807.1); c.791dup, p.Asn265Glufs (NM_001406804.1); c.875dup, p.Asn293Glufs (NM_001406813.1); and 2 more; short protein forms N291fs, N161fs.
Identifiers: ClinVar variation 1764339 (VCV001764339.2), dbSNP rs2530575295, ClinGen allele CA2580067256.

ClinVar aggregate classification (germline): Pathogenic (1 of 4 stars; one submission).

Conditions:
Hereditary cancer-predisposing syndrome. Also called: Neoplastic Syndromes, Hereditary; Tumor predisposition; Hereditary Cancer Syndrome; Hereditary neoplastic syndrome. Identifiers: Orphanet 140162, MedGen C0027672, MeSH D009386, MONDO:0015356.

Submission:

Ambry Genetics
Classification: Pathogenic for Hereditary cancer-predisposing syndrome. Last evaluated: 2022-04-12. Review status: criteria provided, single submitter. Criteria: Ambry Variant Classification Scheme 2023. Collection method: clinical testing. Allele origin: germline.
Comment: The c.869dupT pathogenic mutation, located in coding exon 4 of the MSH6 gene, results from a duplication of T at nucleotide position 869, causing a translational frameshift with a predicted alternate stop codon (p.N291Efs*21). This variant is considered to be rare based on population cohorts in the Genome Aggregation Database (gnomAD). This alteration is expected to result in loss of function by premature protein truncation or nonsense-mediated mRNA decay. As such, this alteration is interpreted as a disease-causing mutation.